The following is an entry in ClinVar:

NM_016548.4(GOLM1):c.105G>A (p.Ala35=)

Genes: GOLM1 (golgi membrane protein 1; minus strand), LOC126860666 (BRD4-independent group 4 enhancer GRCh37_chr9:88693798-88694997; plus strand). Cytogenetic location: 9q21.33.
Variant type: single nucleotide variant.
Coding change: c.105G>A on transcript NM_016548.4 (MANE Select); coding-DNA position 105, G replaced by A.
Protein change: p.Ala35=; no amino-acid change (alanine 35 retained).
Molecular consequence: synonymous variant.
Genome position (GRCh38, 1-based): chr9:86,079,216, C>T on the plus strand (G>A on the coding strand, the complement: GOLM1 is on the minus strand). VCF-style: chr9-86079216-C-T. GRCh37 (hg19) VCF-style: chr9-88694131-C-T.
Other names: c.105G>A, p.Ala35= (NM_177937.3).
Identifiers: ClinVar variation 727548 (VCV000727548.27), dbSNP rs201214319, ClinGen allele CA5108051.
Genomic context (GRCh38, chr9:86,079,216, plus strand): 5'-CATAAAATAAACATAACAATAAAGAAAACAAAACACCTGGAGGTCCACGCTCCGGGAGCT[C>T]GCAATCCAGTAGTTGAAGCCCAAGACGATGATGCAGGCCACCAGGGCGGCCAGCACGAGG-3'
Protein context (NP_057632.2, residues 25-45): IIVLGFNYWI[Ala35=]SSRSVDLQTR

ClinVar aggregate classification (germline): Benign/Likely benign. Review status: criteria provided, multiple submitters, no conflicts (2 of 4 stars). 2 submissions from 2 submitters: Benign (1); Likely benign (1). Last evaluated 2023-04-01.

Allele frequency attached by ClinVar (database versions not stated): ESP Exome Variant Server 0.00023; ExAC 0.00031; 1000 Genomes Project 0.00060; 1000 Genomes Project 30x 0.00062; TOPMed 0.00068.
gnomAD v4.1: 226 of 1,600,688 alleles (0.014%); highest among the groups gnomAD compares: African/African-American, 0.23%; no homozygotes.

Submissions (2):

CeGaT Center for Human Genetics Tuebingen
Classification: Likely benign. Last evaluated: 2023-04-01. Review status: criteria provided, single submitter. Criteria: CeGaT Center For Human Genetics Tuebingen Variant Classification Criteria Version 2. Collection method: clinical testing. Allele origin: germline. Affected: yes. Observed: 1 variant allele.
Comment: GOLM1: BP4, BP7

Labcorp Genetics (formerly Invitae), Labcorp
Classification: Benign. Last evaluated: 2018-02-26. Review status: criteria provided, single submitter. Criteria: Invitae Variant Classification Sherloc (09022015). Collection method: clinical testing. Allele origin: germline.